The following is an entry in ClinVar:

NM_001198800.3(ASCC1):c.1052G>C (p.Cys351Ser)

Gene: ASCC1 (activating signal cointegrator 1 complex subunit 1; minus strand). Cytogenetic location: 10q22.1.
Variant type: single nucleotide variant.
Coding change: c.1052G>C on transcript NM_001198800.3 (MANE Select); coding-DNA position 1052, G replaced by C.
Protein change: p.Cys351Ser; replaces cysteine 351 with serine.
Molecular consequence: missense variant. On other transcripts: 3 prime UTR variant (20), non-coding transcript variant (1).
Genome position (GRCh38, 1-based): chr10:72,097,356, C>G on the plus strand (G>C on the coding strand, the complement: ASCC1 is on the minus strand). VCF-style: chr10-72097356-C-G. GRCh37 (hg19) VCF-style: chr10-73857114-C-G.
Other names: c.1052G>C, p.Cys351Ser (NM_001198798.2, NM_001369093.1, NM_001369094.1 and 1 more transcripts); c.*130G>C (NM_001198799.3, NM_001369085.1, NM_001369087.1 and 3 more transcripts); c.*87G>C (NM_001369086.1, NM_001369090.1, NM_001369091.1 and 11 more transcripts); c.998G>C, p.Cys333Ser (NM_001369099.1); c.935G>C, p.Cys312Ser (NM_001369105.1, NM_001369106.1, NM_001369107.1); c.932G>C, p.Cys311Ser (NM_001369108.1, NM_001369109.1); short protein forms C311S, C333S, C312S, C351S.
Identifiers: ClinVar variation 1960979 (VCV001960979.5), dbSNP rs2492169737, ClinGen allele CA377153905.
Genomic context (GRCh38, chr10:72,097,356, plus strand): 5'-TGAAGATGTTTAGTTTCTAGTGCTTTCCAAGATCCACCTCAGGAGAAGTCAATTTGTCCA[C>G]AGGAAGCGTAGTTTCCAAAGCTGTCTACGGTGAACCTCTGAGAGATGTGAATTGAATTCA-3'
Protein context (NP_001185729.1, residues 341-357): TVDSFGNYAS[Cys351Ser]GQIDFS

ClinVar aggregate classification (germline): Uncertain significance (1 of 4 stars; one submission).

Allele frequency attached by ClinVar (database versions not stated): gnomAD exomes below 0.00001.

Submission:

Labcorp Genetics (formerly Invitae), Labcorp
Classification: Uncertain significance. Last evaluated: 2022-07-01. Review status: criteria provided, single submitter. Criteria: Invitae Variant Classification Sherloc (09022015). Collection method: clinical testing. Allele origin: germline.
Comment: In summary, the available evidence is currently insufficient to determine the role of this variant in disease. Therefore, it has been classified as a Variant of Uncertain Significance. Algorithms developed to predict the effect of missense changes on protein structure and function (SIFT, PolyPhen-2, Align-GVGD) all suggest that this variant is likely to be tolerated. This variant has not been reported in the literature in individuals affected with ASCC1-related conditions. This variant is not present in population databases (gnomAD no frequency). This sequence change replaces cysteine, which is neutral and slightly polar, with serine, which is neutral and polar, at codon 351 of the ASCC1 protein (p.Cys351Ser).